The following is an entry in ClinVar:

ClinVar aggregate classification (germline): Benign (1 of 4 stars; one submission).

Conditions:
Deficiency of 2-methylbutyryl-CoA dehydrogenase (ACADSB). Also called: 2-methylbutyryl-CoA dehydrogenase deficiency; SBCAD deficiency; 2-methylbutyric aciduria; Short branched-chain acyl-CoA dehydrogenase deficiency; 2-methylbutyrylglycinuria. Identifiers: Orphanet 79157, MedGen C1864912, MONDO:0012392, OMIM 610006, HP:0020147.

Allele frequency attached by ClinVar (database versions not stated): gnomAD 0.00350 and 0.00371; TOPMed 0.00386; 1000 Genomes Project 0.00519; 1000 Genomes Project 30x 0.00547.

Submission:

Illumina Laboratory Services, Illumina
Classification: Benign for Deficiency of 2-methylbutyryl-CoA dehydrogenase. Last evaluated: 2018-01-12. Review status: criteria provided, single submitter. Criteria: ICSL Variant Classification Criteria 13 December 2019. Collection method: clinical testing. Allele origin: germline.
Comment: This variant was observed in the ICSL laboratory as part of a predisposition screen in an ostensibly healthy population. It had not been previously curated by ICSL or reported in the Human Gene Mutation Database (HGMD: prior to June 1st, 2018), and was therefore a candidate for classification through an automated scoring system. Utilizing variant allele frequency, disease prevalence and penetrance estimates, and inheritance mode, an automated score was calculated to assess if this variant is too frequent to cause the disease. Based on the score and internal cut-off values, a variant classified as benign is not then subjected to further curation. The score for this variant resulted in a classification of benign for this disease.

NM_001609.4(ACADSB):c.*1202G>A

Gene: ACADSB (acyl-CoA dehydrogenase short/branched chain; plus strand). Cytogenetic location: 10q26.13.
Variant type: single nucleotide variant.
Coding change: c.*1202G>A on transcript NM_001609.4 (MANE Select); 1202 bases downstream of the stop codon, G replaced by A.
Molecular consequence: 3 prime UTR variant.
Genome position (GRCh38, 1-based): chr10:123,054,967, G>A. VCF-style: chr10-123054967-G-A. GRCh37 (hg19) VCF-style: chr10-124814483-G-A.
Other names: c.*1202G>A (NM_001330174.3).
Identifiers: ClinVar variation 299110 (VCV000299110.5), dbSNP rs181209320, ClinGen allele CA10631121.